The following is an entry in ClinVar:

ClinVar aggregate classification (germline): Uncertain significance (1 of 4 stars; one submission).

Conditions:
Baller-Gerold syndrome (BGS). Also called: CRANIOSYNOSTOSIS WITH RADIAL DEFECTS. Identifiers: Orphanet 1225, MedGen C0265308, MONDO:0009039, OMIM 218600.

Submission:

Labcorp Genetics (formerly Invitae), Labcorp
Classification: Uncertain significance for Baller-Gerold syndrome. Last evaluated: 2023-10-23. Review status: criteria provided, single submitter. Criteria: Invitae Variant Classification Sherloc (09022015). Collection method: clinical testing. Allele origin: germline.
Comment: This sequence change replaces serine, which is neutral and polar, with glycine, which is neutral and non-polar, at codon 982 of the RECQL4 protein (p.Ser982Gly). This variant is not present in population databases (gnomAD no frequency). This variant has not been reported in the literature in individuals affected with RECQL4-related conditions. Advanced modeling of protein sequence and biophysical properties (such as structural, functional, and spatial information, amino acid conservation, physicochemical variation, residue mobility, and thermodynamic stability) performed at Invitae indicates that this missense variant is not expected to disrupt RECQL4 protein function. In summary, the available evidence is currently insufficient to determine the role of this variant in disease. Therefore, it has been classified as a Variant of Uncertain Significance.

NM_004260.4(RECQL4):c.2944A>G (p.Ser982Gly)

Gene: RECQL4 (RecQ like helicase 4; minus strand). Cytogenetic location: 8q24.3.
Variant type: single nucleotide variant.
Coding change: c.2944A>G on transcript NM_004260.4 (MANE Select); coding-DNA position 2944, A replaced by G.
Protein change: p.Ser982Gly; replaces serine 982 with glycine.
Molecular consequence: missense variant. On other transcripts: non-coding transcript variant (3).
Genome position (GRCh38, 1-based): chr8:144,512,503, T>C on the plus strand (A>G on the coding strand, the complement: RECQL4 is on the minus strand). VCF-style: chr8-144512503-T-C. GRCh37 (hg19) VCF-style: chr8-145737886-T-C.
Other names: c.1807A>G, p.Ser603Gly (NM_001413032.1, NM_001413027.1, NM_001413030.1); c.1741A>G, p.Ser581Gly (NM_001413037.1); c.1675A>G, p.Ser559Gly (NM_001413038.1, NM_001413031.1); c.2914A>G, p.Ser972Gly (NM_001413039.1); c.1873A>G, p.Ser625Gly (NM_001413040.1, NM_001413034.1, NM_001413035.1 and 4 more transcripts); c.1882A>G, p.Ser628Gly (NM_001413041.1); c.1843A>G, p.Ser615Gly (NM_001413042.1); c.1477A>G, p.Ser493Gly (NM_001413043.1); and 9 more; short protein forms S493G, S615G, S916G, S938G, S939G, S1007G, S628G, S865G.
Identifiers: ClinVar variation 2771151 (VCV002771151.3), dbSNP rs2130663507, ClinGen allele CA372673269.